The following is an entry in ClinVar:

ClinVar aggregate classification (germline): Uncertain significance. Review status: criteria provided, multiple submitters, no conflicts (2 of 4 stars). 2 submissions from 2 submitters: Uncertain significance (2). Last evaluated 2025-02-21.

Conditions:
Inborn genetic diseases. Identifiers: MedGen C0950123, MeSH D030342.
Baller-Gerold syndrome (BGS). Also called: CRANIOSYNOSTOSIS WITH RADIAL DEFECTS. Identifiers: Orphanet 1225, MedGen C0265308, MONDO:0009039, OMIM 218600.

Allele frequency attached by ClinVar (database versions not stated): gnomAD exomes 0.00001; ExAC 0.00002.
gnomAD v4.1: 9 of 1,612,860 alleles (0.00056%); highest among the groups gnomAD compares: Middle Eastern, 0.033%; no homozygotes.

Submissions (2):

Ambry Genetics
Classification: Uncertain significance for Inborn genetic diseases. Last evaluated: 2025-02-21. Review status: criteria provided, single submitter. Criteria: Ambry Variant Classification Scheme 2023. Collection method: clinical testing. Allele origin: germline.
Comment: The p.C403Y variant (also known as c.1208G>A), located in coding exon 6 of the RECQL4 gene, results from a G to A substitution at nucleotide position 1208. The cysteine at codon 403 is replaced by tyrosine, an amino acid with highly dissimilar properties. This amino acid position is conserved. In addition, the in silico prediction for this alteration is inconclusive. Based on the available evidence, the clinical significance of this variant remains unclear.

Labcorp Genetics (formerly Invitae), Labcorp
Classification: Uncertain significance for Baller-Gerold syndrome. Last evaluated: 2024-07-29. Review status: criteria provided, single submitter. Criteria: Invitae Variant Classification Sherloc (09022015). Collection method: clinical testing. Allele origin: germline.
Comment: This sequence change replaces cysteine, which is neutral and slightly polar, with tyrosine, which is neutral and polar, at codon 403 of the RECQL4 protein (p.Cys403Tyr). This variant is present in population databases (rs753593981, gnomAD 0.002%). This variant has not been reported in the literature in individuals affected with RECQL4-related conditions. ClinVar contains an entry for this variant (Variation ID: 661078). Advanced modeling of protein sequence and biophysical properties (such as structural, functional, and spatial information, amino acid conservation, physicochemical variation, residue mobility, and thermodynamic stability) performed at Invitae indicates that this missense variant is expected to disrupt RECQL4 protein function with a positive predictive value of 80%. In summary, the available evidence is currently insufficient to determine the role of this variant in disease. Therefore, it has been classified as a Variant of Uncertain Significance.

NM_004260.4(RECQL4):c.1208G>A (p.Cys403Tyr)

Gene: RECQL4 (RecQ like helicase 4; minus strand). Cytogenetic location: 8q24.3.
Variant type: single nucleotide variant.
Coding change: c.1208G>A on transcript NM_004260.4 (MANE Select); coding-DNA position 1208, G replaced by A.
Protein change: p.Cys403Tyr; replaces cysteine 403 with tyrosine.
Molecular consequence: missense variant.
Genome position (GRCh38, 1-based): chr8:144,515,814, C>T on the plus strand (G>A on the coding strand, the complement: RECQL4 is on the minus strand). VCF-style: chr8-144515814-C-T. GRCh37 (hg19) VCF-style: chr8-145741198-C-T.
Other names: short protein forms C403Y.
Identifiers: ClinVar variation 661078 (VCV000661078.5), dbSNP rs753593981, ClinGen allele CA4948989.